The following is an entry in ClinVar:

ClinVar aggregate classification (germline): Uncertain significance. Review status: criteria provided, single submitter (1 of 4 stars). 2 submissions from 2 submitters: Uncertain significance (1). 1 of the submissions does not count toward it. Last evaluated 2025-03-04.

Conditions:
Cystic fibrosis (CF). Also called: MUCOVISCIDOSIS. Identifiers: Orphanet 586, MedGen C0010674, MONDO:0009061, OMIM 219700. Disease mechanism: loss of function.

Allele frequency attached by ClinVar (database versions not stated): gnomAD exomes below 0.00001.
gnomAD v4.1: 1 of 1,614,178 alleles (0.000062%); highest among the groups gnomAD compares: African/African-American, 0.0013%; no homozygotes.

Submissions (2):

Women's Health and Genetics/Laboratory Corporation of America, LabCorp
Classification: Uncertain significance. Last evaluated: 2025-03-04. Review status: criteria provided, single submitter. Criteria: LabCorp Variant Classification Summary - May 2015. Collection method: clinical testing. Allele origin: germline.
Comment: Variant summary: CFTR c.673T>C (p.Cys225Arg) results in a non-conservative amino acid change in the encoded protein sequence. Four of four in-silico tools predict a damaging effect of the variant on protein function. The variant was absent in 251420 control chromosomes. The available data on variant occurrences in the general population are insufficient to allow any conclusion about variant significance. c.673T>C has been reported in the literature in at-least one individual affected with Cystic Fibrosis (Fanen_1992). These data do not allow any conclusion about variant significance. At least one publication reports experimental evidence evaluating an impact on protein function. The most pronounced variant effect resulted in approximately (Gt channel conductance) 70% of normal chloride channel conductance relative to wild type (e.g., Bihler_2024) and the expression of this variant was moderately reduced in HeLa cells (Fanen_1997). The following publications have been ascertained in the context of this evaluation (PMID: 38388235, 1379210, 9374552). ClinVar contains an entry for this variant (Variation ID: 54038). Based on the evidence outlined above, the variant was classified as uncertain significance.

ClinVar Staff, National Center for Biotechnology Information (NCBI)
No classification provided. Condition: CFTR-related disorders. Review status: no classification provided. Collection method: literature only. Allele origin: germline. Affected: yes. Not counted in ClinVar's aggregate classification.

Literature cited by the submitters: PubMed 1379210 (cited by Women's Health and Genetics/Laboratory Corporation of America, LabCorp); PubMed 38388235 (cited by Women's Health and Genetics/Laboratory Corporation of America, LabCorp); PubMed 9374552 (cited by Women's Health and Genetics/Laboratory Corporation of America, LabCorp and ClinVar Staff, National Center for Biotechnology Information (NCBI)).

NM_000492.4(CFTR):c.673T>C (p.Cys225Arg)

Gene: CFTR (CF transmembrane conductance regulator; plus strand). Cytogenetic location: 7q31.2.
Variant type: single nucleotide variant.
Coding change: c.673T>C on transcript NM_000492.4 (MANE Select); coding-DNA position 673, T replaced by C.
Protein change: p.Cys225Arg; replaces cysteine 225 with arginine.
Molecular consequence: missense variant.
Genome position (GRCh38, 1-based): chr7:117,535,341, T>C. VCF-style: chr7-117535341-T-C. GRCh37 (hg19) VCF-style: chr7-117175395-T-C.
Other names: short protein forms C225R.
Identifiers: ClinVar variation 54038 (VCV000054038.2), dbSNP rs397508780, ClinGen allele CA327620.
Genomic context (GRCh38, chr7:117,535,341, plus strand): 5'-CCTTTGCAAGTGGCACTCCTCATGGGGCTAATCTGGGAGTTGTTACAGGCGTCTGCCTTC[T>C]GTGGACTTGGTTTCCTGATAGTCCTTGCCCTTTTTCAGGCTGGGCTAGGGAGAATGATGA-3'
Protein context (NP_000483.3, residues 215-235): IWELLQASAF[Cys225Arg]GLGFLIVLAL